The following is an entry in ClinVar:

ClinVar aggregate classification (germline): Likely benign. Review status: criteria provided, multiple submitters, no conflicts (2 of 4 stars). 4 submissions from 4 submitters: Likely benign (3). 1 of the submissions does not count toward it. Last evaluated 2026-01-29.

Conditions:
Inborn genetic diseases. Identifiers: MedGen C0950123, MeSH D030342.
Niemann-Pick disease, type A. Also called: SPHINGOMYELIN LIPIDOSIS; SPHINGOMYELINASE DEFICIENCY; Infantile Neurovisceral ASMD (Niemann-Pick Disease Type A; NPD-A). Identifiers: Orphanet 77292, MedGen C0268242, MONDO:0009756, OMIM 257200. Disease mechanism: loss of function.
Niemann-Pick disease, type B. Also called: Chronic Visceral ASMD (Niemann-Pick Disease Type B; NPD-B). Identifiers: Orphanet 77293, MedGen C0268243, MONDO:0011871, OMIM 607616. Disease mechanism: loss of function.
Sphingomyelin/cholesterol lipidosis. Also called: Niemann-Pick disease. Identifiers: MedGen C0028064, MONDO:0001982.

Allele frequency attached by ClinVar (database versions not stated): 1000 Genomes Project 0.00200; 1000 Genomes Project 30x 0.00203; gnomAD 0.00006; TOPMed 0.00006.
gnomAD v4.1: 561 of 1,614,212 alleles (0.035%); highest among the groups gnomAD compares: South Asian, 0.53%; 3 homozygotes.

Submissions (4):

Labcorp Genetics (formerly Invitae), Labcorp
Classification: Likely benign for Niemann-Pick disease, type B; Niemann-Pick disease, type A. Last evaluated: 2026-01-29. Review status: criteria provided, single submitter. Criteria: Invitae Variant Classification Sherloc (09022015). Collection method: clinical testing. Allele origin: germline.

CeGaT Center for Human Genetics Tuebingen
Classification: Likely benign. Last evaluated: 2025-12-01. Review status: criteria provided, single submitter. Criteria: CeGaT Center For Human Genetics Tuebingen Variant Classification Criteria Version 2. Collection method: clinical testing. Allele origin: germline. Affected: yes. Observed: 3 variant alleles.
Comment: SMPD1: BP5, BS1

Ambry Genetics
Classification: Likely benign for Inborn genetic diseases. Last evaluated: 2025-05-03. Review status: criteria provided, single submitter. Criteria: Ambry Variant Classification Scheme 2023. Collection method: clinical testing. Allele origin: germline.

Natera, Inc.
Classification: Uncertain significance for Acid sphingomyelinase deficiency. Last evaluated: 2017-05-04. Review status: no assertion criteria provided. Collection method: clinical testing. Allele origin: germline. Not counted in ClinVar's aggregate classification.

NM_000543.5(SMPD1):c.253G>A (p.Gly85Arg)

Gene: SMPD1 (sphingomyelin phosphodiesterase 1; plus strand). Cytogenetic location: 11p15.4.
Variant type: single nucleotide variant.
Coding change: c.253G>A on transcript NM_000543.5 (MANE Select); coding-DNA position 253, G replaced by A.
Protein change: p.Gly85Arg; replaces glycine 85 with arginine.
Molecular consequence: missense variant. On other transcripts: 5 prime UTR variant (1), non-coding transcript variant (2).
Genome position (GRCh38, 1-based): chr11:6,390,851, G>A. VCF-style: chr11-6390851-G-A. GRCh37 (hg19) VCF-style: chr11-6412081-G-A.
Other names: c.253G>A, p.Gly85Arg (NM_001007593.3, NM_001318087.2, NM_001365135.2); c.-709G>A (NM_001318088.2); short protein forms G85R.
Identifiers: ClinVar variation 788326 (VCV000788326.28), dbSNP rs368200803, ClinGen allele CA5852533.
Genomic context (GRCh38, chr11:6,390,851, plus strand): 5'-TCTCCCCAAGGCCATCCTGCCAGGTTACATCGCATAGTGCCCCGGCTCCGAGATGTCTTT[G>A]GGTGGGGGAACCTCACCTGCCCAATCTGCAAAGGTCTATTCACCGCCATCAACCTCGGGC-3'
Protein context (NP_000534.3, residues 75-95): RIVPRLRDVF[Gly85Arg]WGNLTCPICK